The following is an entry in ClinVar:

ClinVar aggregate classification (germline): Likely benign. Review status: criteria provided, multiple submitters, no conflicts (2 of 4 stars). 2 submissions from 2 submitters: Likely benign (2). Last evaluated 2025-05-25.

Conditions:
Spastic paraplegia. Identifiers: MedGen C0037772, HP:0001258.

Allele frequency attached by ClinVar (database versions not stated): gnomAD exomes below 0.00001 and 0.00001; TOPMed below 0.00001; gnomAD 0.00001.
gnomAD v4.1: 15 of 1,613,800 alleles (0.00093%); highest among the groups gnomAD compares: African/African-American, 0.0027%; no homozygotes.

Submissions (2):

Labcorp Genetics (formerly Invitae), Labcorp
Classification: Likely benign for Spastic paraplegia. Last evaluated: 2025-05-25. Review status: criteria provided, single submitter. Criteria: Invitae Variant Classification Sherloc (09022015). Collection method: clinical testing. Allele origin: germline.

CeGaT Center for Human Genetics Tuebingen
Classification: Likely benign. Last evaluated: 2022-04-01. Review status: criteria provided, single submitter. Criteria: CeGaT Center For Human Genetics Tuebingen Variant Classification Criteria Version 2. Collection method: clinical testing. Allele origin: germline. Affected: yes. Observed: 1 variant allele.
Comment: AP4E1: BP4, BP7

NM_007347.5(AP4E1):c.2103G>A (p.Leu701=)

Gene: AP4E1 (adaptor related protein complex 4 subunit epsilon 1; plus strand). Cytogenetic location: 15q21.2.
Variant type: single nucleotide variant.
Coding change: c.2103G>A on transcript NM_007347.5 (MANE Select); coding-DNA position 2103, G replaced by A.
Protein change: p.Leu701=; no amino-acid change (leucine 701 retained).
Molecular consequence: synonymous variant.
Genome position (GRCh38, 1-based): chr15:50,993,382, G>A. VCF-style: chr15-50993382-G-A. GRCh37 (hg19) VCF-style: chr15-51285579-G-A.
Other names: c.1878G>A, p.Leu626= (NM_001252127.2).
Identifiers: ClinVar variation 731464 (VCV000731464.28), dbSNP rs1462882290, ClinGen allele CA490341419.